The following is an entry in ClinVar:

ClinVar aggregate classification (germline): Uncertain significance (1 of 4 stars; one submission).

Conditions:
Brachyolmia-amelogenesis imperfecta syndrome. Also called: PLATYSPONDYLY WITH AMELOGENESIS IMPERFECTA; Tooth agenesis, selective, 6; Dental anomalies and short stature. Identifiers: Orphanet 2899, MedGen C1832594, MONDO:0011018, OMIM 601216. Disease mechanism: loss of function.

gnomAD v4.1: 8 of 1,613,940 alleles (0.0005%); highest among the groups gnomAD compares: African/African-American, 0.0013%; no homozygotes.

Submission:

Labcorp Genetics (formerly Invitae), Labcorp
Classification: Uncertain significance for Brachyolmia-amelogenesis imperfecta syndrome. Last evaluated: 2025-06-24. Review status: criteria provided, single submitter. Criteria: Invitae Variant Classification Sherloc (09022015). Collection method: clinical testing. Allele origin: germline.
Comment: This sequence change falls in intron 17 of the LTBP3 gene. It does not directly change the encoded amino acid sequence of the LTBP3 protein. It affects a nucleotide within the consensus splice site. This variant is not present in population databases (gnomAD no frequency). This variant has not been reported in the literature in individuals affected with LTBP3-related conditions. ClinVar contains an entry for this variant (Variation ID: 3615529). Variants that disrupt the consensus splice site are a relatively common cause of aberrant splicing (PMID: 17576681, 9536098). Algorithms developed to predict the effect of sequence changes on RNA splicing suggest that this variant is not likely to affect RNA splicing. In summary, the available evidence is currently insufficient to determine the role of this variant in disease. Therefore, it has been classified as a Variant of Uncertain Significance.

Literature cited by the submitters: PubMed 17576681; PubMed 9536098.

NM_001130144.3(LTBP3):c.2476+3G>A

Gene: LTBP3 (latent transforming growth factor beta binding protein 3; minus strand). Cytogenetic location: 11q13.1.
Variant type: single nucleotide variant.
Coding change: c.2476+3G>A on transcript NM_001130144.3 (MANE Select); 3 bases into the intron after coding-DNA position 2476, G replaced by A.
Molecular consequence: intron variant.
Genome position (GRCh38, 1-based): chr11:65,543,424, C>T on the plus strand (G>A on the coding strand, the complement: LTBP3 is on the minus strand). VCF-style: chr11-65543424-C-T. GRCh37 (hg19) VCF-style: chr11-65310895-C-T.
Other names: c.2125+3G>A (NM_001164266.1); c.2476+3G>A (NM_021070.4).
Identifiers: ClinVar variation 3615529 (VCV003615529.2).
Genomic context (GRCh38, chr11:65,543,424, plus strand): 5'-TGGGGGGTGGGGGTCCTGGGGTAGGGAGGGACAGGTCAGCACCCCAGCTCTAAGATCCCT[C>T]ACCCTCGCAGTGGCTCCGGTCCCTGGACAGATGGTAGCCAGAGAGGCACTGACACTGGAA-3'